The following is an entry in ClinVar:

ClinVar aggregate classification (germline): Pathogenic. Review status: reviewed by expert panel (3 of 4 stars). 2 submissions from 2 submitters: Pathogenic (1). 1 of the submissions does not count toward it. Last evaluated 2017-12-15.

Conditions:
Hereditary breast ovarian cancer syndrome. Also called: Breast and ovarian cancer; Hereditary breast and ovarian cancer syndrome; Hereditary breast and ovarian cancer; Hereditary breast and/or ovarian cancer syndrome; Hereditary breast and ovarian cancer syndrome (HBOC); BRCA1- and BRCA2-Associated Hereditary Breast and Ovarian Cancer. Identifiers: Orphanet 145, MedGen C0677776, MeSH D061325, MONDO:0003582. Disease mechanism: loss of function.
Breast-ovarian cancer, familial, susceptibility to, 2 (BROVCA2). Also called: BRCA2 Hereditary Breast and Ovarian Cancer. Identifiers: Orphanet 145, MedGen C2675520, MONDO:0012933, OMIM 612555. Disease mechanism: loss of function.

Submissions (2):

Evidence-based Network for the Interpretation of Germline Mutant Alleles (ENIGMA)
Classification: Pathogenic for Breast-ovarian cancer, familial, susceptibility to, 2. Last evaluated: 2017-12-15. Review status: reviewed by expert panel. Criteria: ENIGMA BRCA1/2 Classification Criteria (2017-06-29). Collection method: curation. Allele origin: germline. Study: ENIGMA.
Comment: Variant allele predicted to encode a truncated non-functional protein.

Veritas Genetics
Classification: Pathogenic for Hereditary breast ovarian cancer syndrome. Last evaluated: 2016-06-28. Review status: no assertion criteria provided. Collection method: clinical testing. Allele origin: germline. Affected: yes. Observed: 1 variant allele. Not counted in ClinVar's aggregate classification.

NM_000059.4(BRCA2):c.5161_5164del (p.Asn1721fs)

Gene: BRCA2 (BRCA2 DNA repair associated; plus strand). Cytogenetic location: 13q13.1.
Variant type: Deletion.
Coding change: c.5161_5164del on transcript NM_000059.4 (MANE Select); coding-DNA positions 5161 to 5164, 4 bases deleted (AACA; older notation c.5161_5164delAACA).
Protein change: p.Asn1721fs; shifts the reading frame from asparagine 1721.
Molecular consequence: frameshift variant.
Genome position (GRCh38, 1-based): chr13:32,339,516-32,339,519, AACA deleted; deleting any 4 consecutive bases within chr13:32,339,514-32,339,519 gives the same sequence; the c. name uses the placement nearest the transcript's 3' end. VCF-style (leftmost placement, unchanged base first): chr13-32339513-TCAAA-T. GRCh37 (hg19) VCF-style: chr13-32913650-TCAAA-T.
Other names: c.5161_5164delAACA (NM_000059.3); short protein forms N1721fs.
Identifiers: ClinVar variation 375547 (VCV000375547.3), dbSNP rs1057519559, ClinGen allele CA16044340.
Genomic context (GRCh38, chr13:32,339,513, plus strand): 5'-GGTCAACCAGAAAGAATAAATACTGCAGATTATGTAGGAAATTATTTGTATGAAAATAAT[TCAAA>T]CAGTACTATAGCTGAAAATGACAAAAATCATCTCTCCGAAAAACAAGATACTTATTTAAG-3'